The following is an entry in ClinVar:

NM_004036.5(ADCY3):c.2254A>G (p.Lys752Glu)

Gene: ADCY3 (adenylate cyclase 3; minus strand). Cytogenetic location: 2p23.3.
Variant type: single nucleotide variant.
Coding change: c.2254A>G on transcript NM_004036.5 (MANE Select); coding-DNA position 2254, A replaced by G.
Protein change: p.Lys752Glu; replaces lysine 752 with glutamic acid.
Molecular consequence: missense variant. On other transcripts: intron variant (2).
Genome position (GRCh38, 1-based): chr2:24,828,080, T>C on the plus strand (A>G on the coding strand, the complement: ADCY3 is on the minus strand). VCF-style: chr2-24828080-T-C. GRCh37 (hg19) VCF-style: chr2-25050949-T-C.
Other names: c.2254A>G, p.Lys752Glu (NM_001320613.2, NM_001377132.1); c.2320A>G, p.Lys774Glu (NM_001377128.1); c.1531A>G, p.Lys511Glu (NM_001377131.1); c.2172+2629A>G (NM_001377130.1); c.2173-57A>G (NM_001377129.1); short protein forms K511E, K752E, K774E.
Identifiers: ClinVar variation 3345399 (VCV003345399.2).

ClinVar aggregate classification (germline): Uncertain significance (1 of 4 stars; one submission).

Conditions:
ADCY3-related disorder. Also called: ADCY3-related condition.

gnomAD v4.1: 7 of 1,614,092 alleles (0.00043%); highest among the groups gnomAD compares: African/African-American, 0.0027%; no homozygotes.

Submission:

PreventionGenetics, part of Exact Sciences
Classification: Uncertain significance for ADCY3-related condition. Last evaluated: 2025-11-03. Review status: criteria provided, single submitter. Criteria: ACMG Guidelines, 2015. Collection method: clinical testing. Allele origin: germline.
Comment: The ADCY3 c.2254A>G variant is predicted to result in the amino acid substitution p.Lys752Glu. To our knowledge, this variant has not been reported in the literature or in a large population database (gnomAD), indicating this variant is rare. At this time, the clinical significance of this variant is uncertain due to the absence of conclusive functional and genetic evidence.